The following is an entry in ClinVar:

ClinVar aggregate classification (germline): Uncertain significance. Review status: criteria provided, multiple submitters, no conflicts (2 of 4 stars). 8 submissions from 8 submitters: Uncertain significance (6). 2 of the submissions do not count toward it. Last evaluated 2026-10-01.

Conditions:
FANCA-related disorder. Also called: FANCA-related condition.
Fanconi anemia (FA). Also called: Fanconi's anemia. Identifiers: Orphanet 84, MedGen C0015625, MeSH D005199, MONDO:0019391.
Fanconi anemia complementation group A (FANCA). Also called: FANCA-Related Fanconi Anemia; Fanconi anemia, group A. Identifiers: Orphanet 84, MedGen C3469521, MONDO:0009215, OMIM 227650.

Allele frequency attached by ClinVar (database versions not stated): ExAC 0.00004; gnomAD exomes 0.00004 and 0.00018; TOPMed 0.00006; gnomAD 0.00007 and 0.00008; ESP Exome Variant Server 0.00015.
gnomAD v4.1: 261 of 1,613,802 alleles (0.016%); highest among the groups gnomAD compares: Non-Finnish European, 0.022%; no homozygotes.

Submissions (8):

St. Jude Molecular Pathology, St. Jude Children's Research Hospital
Classification: Uncertain significance for Fanconi anemia complementation group A. Last evaluated: 2026-10-01. Review status: criteria provided, single submitter. Criteria: St. Jude Assertion Criteria 2020. Collection method: clinical testing. Allele origin: germline.
Comment: The FANCA c.679C>G p.(His227Asp) missense change has a maximum subpopulation frequency of 0.009% in gnomAD v2.1.1. The in silico tool REVEL predicts a benign effect on protein function, but to our knowledge this prediction has not been confirmed by functional studies. To our knowledge, this variant has not been reported in individuals with Fanconi anemia. In summary, the evidence currently available is insufficient to determine the clinical significance of this variant. It has therefore been classified as of uncertain significance.

Quest Diagnostics Nichols Institute San Juan Capistrano
Classification: Uncertain significance. Last evaluated: 2025-07-24. Review status: criteria provided, single submitter. Criteria: Quest Diagnostics criteria. Collection method: clinical testing. Allele origin: unknown.
Comment: The FANCA c.679C>G (p.His227Asp) variant has not been reported in individuals with FANCA-related conditions in the published literature. The frequency of this variant in the general population (Genome Aggregation Database) is uninformative in the assessment of its pathogenicity. Analysis of this variant using bioinformatics tools for the prediction of the effect of amino acid changes on protein structure and function yielded predictions that this variant is benign. Based on the available information, we are unable to determine the clinical significance of this variant.

Blueprint Genetics
Classification: Uncertain significance. Last evaluated: 2024-05-31. Review status: criteria provided, single submitter. Criteria: ACMG Guidelines, 2015. Collection method: clinical testing. Allele origin: germline.

PreventionGenetics, part of Exact Sciences
Classification: Uncertain significance for FANCA-related condition. Last evaluated: 2022-12-15. Review status: criteria provided, single submitter. Criteria: ACMG Guidelines, 2015. Collection method: clinical testing. Allele origin: germline.
Comment: The FANCA c.679C>G variant is predicted to result in the amino acid substitution p.His227Asp. To our knowledge, this variant has not been reported in the literature. This variant is reported in 0.0095% of alleles in individuals of European (Non-Finnish) descent in gnomAD. At this time, the clinical significance of this variant is uncertain due to the absence of conclusive functional and genetic evidence.

Labcorp Genetics (formerly Invitae), Labcorp
Classification: Uncertain significance for Fanconi anemia. Last evaluated: 2022-09-23. Review status: criteria provided, single submitter. Criteria: Invitae Variant Classification Sherloc (09022015). Collection method: clinical testing. Allele origin: germline.
Comment: This sequence change replaces histidine, which is basic and polar, with aspartic acid, which is acidic and polar, at codon 227 of the FANCA protein (p.His227Asp). This variant is present in population databases (rs142580507, gnomAD 0.01%). This variant has not been reported in the literature in individuals affected with FANCA-related conditions. ClinVar contains an entry for this variant (Variation ID: 134290). Advanced modeling of protein sequence and biophysical properties (such as structural, functional, and spatial information, amino acid conservation, physicochemical variation, residue mobility, and thermodynamic stability) performed at Invitae indicates that this missense variant is not expected to disrupt FANCA protein function. In summary, the available evidence is currently insufficient to determine the role of this variant in disease. Therefore, it has been classified as a Variant of Uncertain Significance.

Fulgent Genetics
Classification: Uncertain significance for Fanconi anemia complementation group A. Last evaluated: 2022-04-13. Review status: criteria provided, single submitter. Criteria: ACMG Guidelines, 2015. Collection method: clinical testing. Allele origin: unknown.

Natera, Inc.
Classification: Uncertain significance for Fanconi anemia, group A. Last evaluated: 2020-09-16. Review status: no assertion criteria provided. Collection method: clinical testing. Allele origin: germline. Not counted in ClinVar's aggregate classification.

ITMI
No classification provided. Condition: AllHighlyPenetrant. Last evaluated: 2013-09-19. Review status: no classification provided. Collection method: reference population. Allele origin: germline. Not counted in ClinVar's aggregate classification.
Comment: Please see associated publication for description of ethnicities

Literature cited by the submitters: PubMed 26336887 (cited by Quest Diagnostics Nichols Institute San Juan Capistrano); PubMed 30134342 (cited by Quest Diagnostics Nichols Institute San Juan Capistrano); PubMed 37349538 (cited by Quest Diagnostics Nichols Institute San Juan Capistrano); PubMed 24728327 (cited by ITMI).

NM_000135.4(FANCA):c.679C>G (p.His227Asp)

Gene: FANCA (FA complementation group A; minus strand). Cytogenetic location: 16q24.3.
Variant type: single nucleotide variant.
Coding change: c.679C>G on transcript NM_000135.4 (MANE Select); coding-DNA position 679, C replaced by G.
Protein change: p.His227Asp; replaces histidine 227 with aspartic acid.
Molecular consequence: missense variant.
Genome position (GRCh38, 1-based): chr16:89,805,310, G>C on the plus strand (C>G on the coding strand, the complement: FANCA is on the minus strand). VCF-style: chr16-89805310-G-C. GRCh37 (hg19) VCF-style: chr16-89871718-G-C.
Other names: c.679C>G (LRG_495t1, NM_000135.3); c.679C>G, p.His227Asp (NM_001018112.3, NM_001286167.3); c.583C>G, p.His195Asp (NM_001351830.2); short protein forms H227D, H195D.
Identifiers: ClinVar variation 134290 (VCV000134290.11), dbSNP rs142580507, ClinGen allele CA159370.